The following is an entry in ClinVar:

ClinVar aggregate classification (germline): Benign. Review status: criteria provided, multiple submitters, no conflicts (2 of 4 stars). 2 submissions from 2 submitters: Benign (2). Last evaluated 2018-06-14.

Allele frequency attached by ClinVar (database versions not stated): gnomAD 0.22994 and 0.23071; TOPMed 0.24058; 1000 Genomes Project 0.29113; 1000 Genomes Project 30x 0.29435.
gnomAD v4.1: 93,358 of 520,252 alleles (18%); highest among the groups gnomAD compares: African/African-American, 44%; 10,997 homozygotes.

Submissions (2):

GeneDx
Classification: Benign. Last evaluated: 2018-06-14. Review status: criteria provided, single submitter. Criteria: GeneDx Variant Classification (06012015). Collection method: clinical testing. Allele origin: germline. Affected: yes.
Comment: This variant is considered likely benign or benign based on one or more of the following criteria: it is a conservative change, it occurs at a poorly conserved position in the protein, it is predicted to be benign by multiple in silico algorithms, and/or has population frequency not consistent with disease.

Breakthrough Genomics
Classification: Benign. Review status: criteria provided, single submitter. Criteria: ACMG Guidelines, 2015. Collection method: not provided. Allele origin: germline. Inheritance: Autosomal dominant inheritance. Affected: yes.

NM_000093.5(COL5A1):c.3367-280T>G

Gene: COL5A1 (collagen type V alpha 1 chain; plus strand). Cytogenetic location: 9q34.3.
Variant type: single nucleotide variant.
Coding change: c.3367-280T>G on transcript NM_000093.5 (MANE Select); 280 bases into the intron before coding-DNA position 3367, T replaced by G.
Molecular consequence: intron variant.
Genome position (GRCh38, 1-based): chr9:134,808,903, T>G. VCF-style: chr9-134808903-T-G. GRCh37 (hg19) VCF-style: chr9-137700749-T-G.
Other names: c.3367-280T>G (NM_001278074.1).
Identifiers: ClinVar variation 683378 (VCV000683378.2), dbSNP rs11103534, ClinGen allele CA13040919.